The following is an entry in ClinVar:

ClinVar aggregate classification (germline): Uncertain significance (1 of 4 stars; one submission).

Submission:

GeneDx
Classification: Uncertain significance. Last evaluated: 2022-01-12. Review status: criteria provided, single submitter. Criteria: GeneDx Variant Classification Process June 2021. Collection method: clinical testing. Allele origin: germline. Affected: yes.
Comment: Has not been previously published as pathogenic or benign to our knowledge; Not observed at significant frequency in large population cohorts (gnomAD); In-frame deletion of 1 amino acid in a non-repeat region; In silico analysis supports that this variant does not alter protein structure/function

NM_021224.6(ZNF462):c.3724AAG[1] (p.Lys1243del)

Gene: ZNF462 (zinc finger protein 462; plus strand). Cytogenetic location: 9q31.2.
Variant type: Microsatellite.
Coding change: c.3724AAG[1] on transcript NM_021224.6 (MANE Select); one copy of the 3-base unit AAG starting at c.3724; the reference has two copies in a row; one copy, 3 bases deleted.
Protein change: p.Lys1243del; deletes lysine 1243.
Molecular consequence: inframe deletion. On other transcripts: intron variant (1).
Genome position (GRCh38, 1-based): chr9:106,927,639-106,927,641, AAG deleted; deleting any 3 consecutive bases within chr9:106,927,634-106,927,641 gives the same sequence; the position shown is the placement nearest the transcript's 3' end. VCF-style (leftmost placement, unchanged base first): chr9-106927633-CAGA-C. GRCh37 (hg19) VCF-style: chr9-109689914-CAGA-C.
Other names: c.3252+475_3252+477del (NM_001347997.2); short protein forms K1243del.
Identifiers: ClinVar variation 1698106 (VCV001698106.2), dbSNP rs2131489236, ClinGen allele CA2579410347.